The following is an entry in ClinVar:

ClinVar aggregate classification (germline): Uncertain significance (1 of 4 stars; one submission).

Conditions:
Inborn genetic diseases. Identifiers: MedGen C0950123, MeSH D030342.

gnomAD v4.1: 7 of 1,613,794 alleles (0.00043%); highest among the groups gnomAD compares: Admixed American, 0.0017%; no homozygotes.

Submission:

Ambry Genetics
Classification: Uncertain significance for Inborn genetic diseases. Last evaluated: 2025-02-22. Review status: criteria provided, single submitter. Criteria: Ambry Variant Classification Scheme 2023. Collection method: clinical testing. Allele origin: germline.
Comment: The p.R124K variant (also known as c.371G>A), located in coding exon 1 of the SAMD9L gene, results from a G to A substitution at nucleotide position 371. The arginine at codon 124 is replaced by lysine, an amino acid with highly similar properties. This amino acid position is conserved. In addition, this alteration is predicted to be tolerated by in silico analysis. Based on the available evidence, the clinical significance of this variant remains unclear.

NM_152703.5(SAMD9L):c.371G>A (p.Arg124Lys)

Gene: SAMD9L (sterile alpha motif domain containing 9 like; minus strand). Cytogenetic location: 7q21.2.
Variant type: single nucleotide variant.
Coding change: c.371G>A on transcript NM_152703.5 (MANE Select); coding-DNA position 371, G replaced by A.
Protein change: p.Arg124Lys; replaces arginine 124 with lysine.
Molecular consequence: missense variant.
Genome position (GRCh38, 1-based): chr7:93,135,601, C>T on the plus strand (G>A on the coding strand, the complement: SAMD9L is on the minus strand). VCF-style: chr7-93135601-C-T. GRCh37 (hg19) VCF-style: chr7-92764914-C-T.
Other names: c.371G>A, p.Arg124Lys (NM_001303496.3, NM_001303497.3, NM_001303498.3 and 5 more transcripts); short protein forms R124K.
Identifiers: ClinVar variation 3792444 (VCV003792444.1).